The following is an entry in ClinVar:

NM_001008537.3(NEXMIF):c.113T>G (p.Phe38Cys)

Gene: NEXMIF (neurite extension and migration factor; minus strand). Cytogenetic location: Xq13.3.
Variant type: single nucleotide variant.
Coding change: c.113T>G on transcript NM_001008537.3 (MANE Select); coding-DNA position 113, T replaced by G.
Protein change: p.Phe38Cys; replaces phenylalanine 38 with cysteine.
Molecular consequence: missense variant.
Genome position (GRCh38, 1-based): chrX:74,744,444, A>C on the plus strand (T>G on the coding strand, the complement: NEXMIF is on the minus strand). VCF-style: chrX-74744444-A-C. GRCh37 (hg19) VCF-style: chrX-73964279-A-C.
Other names: short protein forms F38C.
Identifiers: ClinVar variation 3728700 (VCV003728700.2).

ClinVar aggregate classification (germline): Uncertain significance (1 of 4 stars; one submission).

Submission:

Labcorp Genetics (formerly Invitae), Labcorp
Classification: Uncertain significance. Last evaluated: 2025-02-24. Review status: criteria provided, single submitter. Criteria: Invitae Variant Classification Sherloc (09022015). Collection method: clinical testing. Allele origin: germline.
Comment: This sequence change replaces phenylalanine, which is neutral and non-polar, with cysteine, which is neutral and slightly polar, at codon 38 of the NEXMIF protein (p.Phe38Cys). This variant is not present in population databases (gnomAD no frequency). This variant has not been reported in the literature in individuals affected with NEXMIF-related conditions. An algorithm developed to predict the effect of missense changes on protein structure and function (PolyPhen-2) suggests that this variant is likely to be tolerated. In summary, the available evidence is currently insufficient to determine the role of this variant in disease. Therefore, it has been classified as a Variant of Uncertain Significance.